The following is an entry in ClinVar:

NM_005251.3(FOXC2):c.401C>T (p.Pro134Leu)

Genes: FOXC2 (forkhead box C2; plus strand), FOXC2-AS1 (FOXC2 antisense RNA 1; minus strand). Cytogenetic location: 16q24.1.
Variant type: single nucleotide variant.
Coding change: c.401C>T on transcript NM_005251.3 (MANE Select); coding-DNA position 401, C replaced by T.
Protein change: p.Pro134Leu; replaces proline 134 with leucine.
Molecular consequence: missense variant. On other transcripts: non-coding transcript variant (1).
Genome position (GRCh38, 1-based): chr16:86,567,736, C>T. VCF-style: chr16-86567736-C-T. GRCh37 (hg19) VCF-style: chr16-86601342-C-T.
Other names: short protein forms P134L.
Identifiers: ClinVar variation 5018623 (VCV005018623.2).

ClinVar aggregate classification (germline): Uncertain significance (1 of 4 stars; one submission).

Conditions:
Distichiasis-lymphedema syndrome. Also called: LYMPHEDEMA WITH DISTICHIASIS. Identifiers: Orphanet 33001, MedGen C0265345, MONDO:0007922, OMIM 153400.

Submission:

Juno Genomics, Hangzhou Juno Genomics, Inc
Classification: Uncertain significance for Distichiasis-lymphedema syndrome. Review status: criteria provided, single submitter. Criteria: ACMG Guidelines, 2015. Collection method: clinical testing. Allele origin: germline.
Comment: Absent from controls (or at extremely low frequency if recessive) in Genome Aggregation Database.;Multiple lines of computational evidence support a deleterious effect on the gene or gene product.